The following is an entry in ClinVar:

NM_005359.6(SMAD4):c.1448-15A>G

Gene: SMAD4 (SMAD family member 4; plus strand). Cytogenetic location: 18q21.2.
Variant type: single nucleotide variant.
Coding change: c.1448-15A>G on transcript NM_005359.6 (MANE Select); 15 bases into the intron before coding-DNA position 1448, A replaced by G.
Molecular consequence: intron variant.
Genome position (GRCh38, 1-based): chr18:51,078,241, A>G. VCF-style: chr18-51078241-A-G. GRCh37 (hg19) VCF-style: chr18-48604611-A-G.
Other names: c.1448-15A>G (NM_001407042.1, NM_001407041.1).
Identifiers: ClinVar variation 2452518 (VCV002452518.3), dbSNP rs970793685, ClinGen allele CA300088690.

ClinVar aggregate classification (germline): Uncertain significance (1 of 4 stars; one submission).

Conditions:
Familial thoracic aortic aneurysm and aortic dissection (TAAD). Also called: Thoracic aortic aneurysms and dissections. Identifiers: Orphanet 91387, MedGen C4707243, MONDO:0019625.
Hereditary cancer-predisposing syndrome. Also called: Neoplastic Syndromes, Hereditary; Tumor predisposition; Hereditary neoplastic syndrome; Hereditary Cancer Syndrome. Identifiers: Orphanet 140162, MedGen C0027672, MeSH D009386, MONDO:0015356.

Submission:

Ambry Genetics
Classification: Uncertain significance for Hereditary cancer-predisposing syndrome; Familial thoracic aortic aneurysm and aortic dissection. Last evaluated: 2025-06-30. Review status: criteria provided, single submitter. Criteria: Ambry Variant Classification Scheme 2023. Collection method: clinical testing. Allele origin: germline.
Comment: The c.1448-15A>G intronic variant results from an A to G substitution 15 nucleotides upstream from coding exon 11 in the SMAD4 gene. This nucleotide position is not well conserved in available vertebrate species. In silico splice site analysis predicts that this alteration will result in the creation or strengthening of a novel splice acceptor site; however, direct evidence is insufficient at this time (Ambry internal data). Since supporting evidence is limited at this time, the clinical significance of this alteration remains unclear.